The following is an entry in ClinVar:

NM_000494.4(COL17A1):c.2947+13A>C

Gene: COL17A1 (collagen type XVII alpha 1 chain; minus strand). Cytogenetic location: 10q25.1.
Variant type: single nucleotide variant.
Coding change: c.2947+13A>C on transcript NM_000494.4 (MANE Select); 13 bases into the intron after coding-DNA position 2947, A replaced by C.
Molecular consequence: intron variant.
Genome position (GRCh38, 1-based): chr10:104,039,058, T>G on the plus strand (A>C on the coding strand, the complement: COL17A1 is on the minus strand). VCF-style: chr10-104039058-T-G. GRCh37 (hg19) VCF-style: chr10-105798816-T-G.
Identifiers: ClinVar variation 2682597 (VCV002682597.4), dbSNP rs752253194, ClinGen allele CA5678171.

ClinVar aggregate classification (germline): Likely benign. Review status: criteria provided, multiple submitters, no conflicts (2 of 4 stars). 2 submissions from 2 submitters: Likely benign (2). Last evaluated 2023-11-17.

Allele frequency attached by ClinVar (database versions not stated): ExAC 0.00001; TOPMed 0.00001; gnomAD 0.00002; gnomAD exomes 0.00003.
gnomAD v4.1: 49 of 1,613,658 alleles (0.003%); highest among the groups gnomAD compares: Non-Finnish European, 0.0037%; no homozygotes.

Submissions (2):

Women's Health and Genetics/Laboratory Corporation of America, LabCorp
Classification: Likely benign. Last evaluated: 2023-11-17. Review status: criteria provided, single submitter. Criteria: LabCorp Variant Classification Summary - May 2015. Collection method: clinical testing. Allele origin: germline.
Comment: Variant summary: COL17A1 c.2947+13A>C alters a non-conserved nucleotide located at a position not widely known to affect splicing. Consensus agreement among computation tools predict no significant impact on normal splicing. However, these predictions have yet to be confirmed by functional studies. The variant allele was found at a frequency of 1.2e-05 in 251492 control chromosomes. The available data on variant occurrences in the general population are insufficient to allow any conclusion about variant significance. To our knowledge, no occurrence of c.2947+13A>C in individuals affected with Junctional Epidermolysis Bullosa and no experimental evidence demonstrating its impact on protein function have been reported. No submitters have cited clinical-significance assessments for this variant to ClinVar after 2014. Based on the evidence outlined above, the variant was classified as likely benign.

Labcorp Genetics (formerly Invitae), Labcorp
Classification: Likely benign. Last evaluated: 2023-10-08. Review status: criteria provided, single submitter. Criteria: Invitae Variant Classification Sherloc (09022015). Collection method: clinical testing. Allele origin: germline.